The following is an entry in ClinVar:

NM_003640.5(ELP1):c.1186_1187delinsTT (p.Gly396Leu)

Gene: ELP1 (elongator acetyltransferase complex subunit 1; minus strand). Cytogenetic location: 9q31.3.
Variant type: Indel.
Coding change: c.1186_1187delinsTT on transcript NM_003640.5 (MANE Select); coding-DNA positions 1186 to 1187, GG replaced by TT.
Protein change: p.Gly396Leu; replaces glycine 396 with leucine.
Molecular consequence: missense variant.
Genome position (GRCh38, 1-based): chr9:108,912,266-108,912,267, CC replaced by AA on the plus strand (GG replaced by TT on the coding strand, the reverse complement: ELP1 is on the minus strand). VCF-style: chr9-108912266-CC-AA. GRCh37 (hg19) VCF-style: chr9-111674546-CC-AA.
Other names: c.844_845delinsTT, p.Gly282Leu (NM_001318360.2); c.139_140delinsTT, p.Gly47Leu (NM_001330749.2); short protein forms G47L, G282L, G396L.
Identifiers: ClinVar variation 3596290 (VCV003596290.2).

ClinVar aggregate classification (germline): Uncertain significance. Review status: criteria provided, multiple submitters, no conflicts (2 of 4 stars). 2 submissions from 2 submitters: Uncertain significance (2). Last evaluated 2025-05-27.

Conditions:
Familial dysautonomia. Also called: FD; HSAN III. Identifiers: Orphanet 1764, MedGen C0013364, MONDO:0009131, OMIM 223900. Disease mechanism: loss of function.
Medulloblastoma (MDB). Also called: Medulloblastoma, somatic; MEDULLOBLASTOMA PREDISPOSITION SYNDROME. Identifiers: Orphanet 616, MedGen C0025149, MeSH D008527, MONDO:0007959, OMIM 155255, HP:0002885.

Submissions (2):

Labcorp Genetics (formerly Invitae), Labcorp
Classification: Uncertain significance. Last evaluated: 2025-05-27. Review status: criteria provided, single submitter. Criteria: Invitae Variant Classification Sherloc (09022015). Collection method: clinical testing. Allele origin: germline.
Comment: This sequence change replaces glycine, which is neutral and non-polar, with leucine, which is neutral and non-polar, at codon 396 of the ELP1 protein (p.Gly396Leu). Information on the frequency of this variant in the gnomAD database is not available, as this variant may be reported differently in the database. This variant has not been reported in the literature in individuals affected with ELP1-related conditions. ClinVar contains an entry for this variant (Variation ID: 3596290). An algorithm developed to predict the effect of missense changes on protein structure and function (PolyPhen-2) suggests that this variant is likely to be disruptive. In summary, the available evidence is currently insufficient to determine the role of this variant in disease. Therefore, it has been classified as a Variant of Uncertain Significance.

Fulgent Genetics
Classification: Uncertain significance for Medulloblastoma; Familial dysautonomia. Last evaluated: 2024-04-15. Review status: criteria provided, single submitter. Criteria: ACMG Guidelines, 2015. Collection method: clinical testing. Allele origin: germline.